The following is an entry in ClinVar:

NM_032447.5(FBN3):c.4412G>A (p.Cys1471Tyr)

Gene: FBN3 (fibrillin 3; minus strand). Cytogenetic location: 19p13.2.
Variant type: single nucleotide variant.
Coding change: c.4412G>A on transcript NM_032447.5 (MANE Select); coding-DNA position 4412, G replaced by A.
Protein change: p.Cys1471Tyr; replaces cysteine 1471 with tyrosine.
Molecular consequence: missense variant.
Genome position (GRCh38, 1-based): chr19:8,109,675, C>T on the plus strand (G>A on the coding strand, the complement: FBN3 is on the minus strand). VCF-style: chr19-8109675-C-T. GRCh37 (hg19) VCF-style: chr19-8174559-C-T.
Other names: c.4412G>A (NM_032447.3); c.4412G>A, p.Cys1471Tyr (NM_001321431.2); short protein forms C1471Y.
Identifiers: ClinVar variation 2706461 (VCV002706461.4), dbSNP rs2512777070, ClinGen allele CA403738787.
Genomic context (GRCh38, chr19:8,109,675, plus strand): 5'-TTGAGCATGGACTCACCCACGCAGCCCACTCCGCTGGGGTTCAGCTCAAAATCCTGGGGG[C>T]AGCTGCAGAGGTAGCTGCCGGGGGTGTTAATGCACACGCCGTTGATGCAGTTTACTGGGT-3'
Protein context (NP_115823.3, residues 1461-1481): INTPGSYLCS[Cys1471Tyr]PQDFELNPSG

ClinVar aggregate classification (germline): Uncertain significance. Review status: criteria provided, multiple submitters, no conflicts (2 of 4 stars). 2 submissions from 2 submitters: Uncertain significance (2). Last evaluated 2026-08-13.

Submissions (2):

Ambry Genetics
Classification: Uncertain significance. Last evaluated: 2026-08-13. Review status: criteria provided, single submitter. Criteria: Ambry Variant Classification Scheme 2023. Collection method: clinical testing. Allele origin: germline.

Labcorp Genetics (formerly Invitae), Labcorp
Classification: Uncertain significance. Last evaluated: 2023-12-30. Review status: criteria provided, single submitter. Criteria: Invitae Variant Classification Sherloc (09022015). Collection method: clinical testing. Allele origin: germline.
Comment: This sequence change replaces cysteine, which is neutral and slightly polar, with tyrosine, which is neutral and polar, at codon 1471 of the FBN3 protein (p.Cys1471Tyr). This variant is not present in population databases (gnomAD no frequency). This variant has not been reported in the literature in individuals affected with FBN3-related conditions. Advanced modeling of protein sequence and biophysical properties (such as structural, functional, and spatial information, amino acid conservation, physicochemical variation, residue mobility, and thermodynamic stability) performed at Invitae indicates that this missense variant is expected to disrupt FBN3 protein function with a positive predictive value of 80%. In summary, the available evidence is currently insufficient to determine the role of this variant in disease. Therefore, it has been classified as a Variant of Uncertain Significance.